The following is an entry in ClinVar:

NM_194248.3(OTOF):c.1951C>T (p.Gln651Ter)

Gene: OTOF (otoferlin; minus strand). Cytogenetic location: 2p23.3.
Variant type: single nucleotide variant.
Coding change: c.1951C>T on transcript NM_194248.3 (MANE Select); coding-DNA position 1951, C replaced by T.
Protein change: p.Gln651Ter; replaces glutamine 651 with a stop codon.
Molecular consequence: nonsense.
Genome position (GRCh38, 1-based): chr2:26,479,615, G>A on the plus strand (C>T on the coding strand, the complement: OTOF is on the minus strand). VCF-style: chr2-26479615-G-A. GRCh37 (hg19) VCF-style: chr2-26702483-G-A.
Other names: c.1951C>T, p.Gln651Ter (NM_001287489.2); short protein forms Q651*.
Identifiers: ClinVar variation 3601527 (VCV003601527.1).
Genomic context (GRCh38, chr2:26,479,615, plus strand): 5'-CGTTCTGAATCAGGTCTACTTCTTCCTCATCCCCCGGCTCCTTCCGGGGCCGAGGCCGCT[G>A]GGGCCGGGACAGGCCATCAACTTCGTTCCCATAGTTGCCTGGAGCAGAATGGGCCCAGAA-3'

ClinVar aggregate classification (germline): Likely pathogenic (1 of 4 stars; one submission).

Conditions:
Autosomal recessive nonsyndromic hearing loss 9. Also called: NEUROSENSORY NONSYNDROMIC RECESSIVE DEAFNESS 9; OTOF-Related Hearing Loss; Deafness, autosomal recessive 9; AUDITORY NEUROPATHY, AUTOSOMAL RECESSIVE, 1, TEMPERATURE-SENSITIVE. Identifiers: Orphanet 90636, MedGen C1832828, MONDO:0010986, OMIM 601071.

Submission:

Institute of Rare Diseases, West China Hospital, Sichuan University
Classification: Likely pathogenic for Autosomal recessive nonsyndromic hearing loss 9. Last evaluated: 2025-01-09. Review status: criteria provided, single submitter. Criteria: ClinGen HL ACMG Specifications v1. Collection method: research. Allele origin: germline. Affected: yes.
Comment: PVS1;PM2_Supporting